The following is an entry in ClinVar:

NM_001369.3(DNAH5):c.10384C>T (p.Gln3462Ter)

Gene: DNAH5 (dynein axonemal heavy chain 5; minus strand). Cytogenetic location: 5p15.2.
Variant type: single nucleotide variant.
Coding change: c.10384C>T on transcript NM_001369.3 (MANE Select); coding-DNA position 10384, C replaced by T.
Protein change: p.Gln3462Ter; replaces glutamine 3462 with a stop codon.
Molecular consequence: nonsense.
Genome position (GRCh38, 1-based): chr5:13,758,881, G>A on the plus strand (C>T on the coding strand, the complement: DNAH5 is on the minus strand). VCF-style: chr5-13758881-G-A. GRCh37 (hg19) VCF-style: chr5-13758990-G-A.
Other names: short protein forms Q3462*.
Identifiers: ClinVar variation 238953 (VCV000238953.22), dbSNP rs571919972, ClinGen allele CA3202257.

ClinVar aggregate classification (germline): Pathogenic. Review status: criteria provided, multiple submitters, no conflicts (2 of 4 stars). 9 submissions from 9 submitters: Pathogenic (7). 2 of the submissions do not count toward it. Last evaluated 2025-11-21.

Conditions:
DNAH5-related disorders.
Primary ciliary dyskinesia 3. Identifiers: Orphanet 244, MedGen C1837618, MONDO:0012085, OMIM 608644.
Primary ciliary dyskinesia. Also called: Ciliary dyskinesia. Identifiers: Orphanet 244, MedGen C0008780, MONDO:0016575, HP:0012265.

Allele frequency attached by ClinVar (database versions not stated): TOPMed 0.00003; ExAC 0.00004; gnomAD 0.00004; gnomAD exomes 0.00005 and 0.00006.
gnomAD v4.1: 94 of 1,614,054 alleles (0.0058%); highest among the groups gnomAD compares: Non-Finnish European, 0.0076%; no homozygotes.

Submissions (9):

Labcorp Genetics (formerly Invitae), Labcorp
Classification: Pathogenic for Primary ciliary dyskinesia. Last evaluated: 2025-11-21. Review status: criteria provided, single submitter. Criteria: Invitae Variant Classification Sherloc (09022015). Collection method: clinical testing. Allele origin: germline.
Comment: This sequence change creates a premature translational stop signal (p.Gln3462*) in the DNAH5 gene. It is expected to result in an absent or disrupted protein product. Loss-of-function variants in DNAH5 are known to be pathogenic (PMID: 11788826, 16627867). This variant is present in population databases (rs571919972, gnomAD 0.01%). This premature translational stop signal has been observed in individual(s) with primary ciliary dyskinesia (PMID: 22416021, 23891469, 24498942). ClinVar contains an entry for this variant (Variation ID: 238953). For these reasons, this variant has been classified as Pathogenic.

Natera, Inc.
Classification: Pathogenic for Primary ciliary dyskinesia. Last evaluated: 2025-06-24. Review status: criteria provided, single submitter. Criteria: Natera Variant Classification Schema (03/2026). Collection method: clinical testing. Allele origin: germline.
Comment: The c.10384C>T variant in DNAH5 is a nonsense variant predicted to introduce a stop codon at amino acid 3462. This variant is expected to result in nonsense mediated decay, truncation, or a dysfunctional protein product. This variant is rare in the general population with a frequency below the threshold expected for the associated phenotype(s). This variant has been observed in one or more individuals affected with the associated recessive disease, as either homozygous or compound heterozygous with a second variant (PMID: 29363216). Given the available evidence, this variant is classified as Pathogenic.

Ambry Genetics
Classification: Pathogenic for Primary ciliary dyskinesia. Last evaluated: 2024-09-09. Review status: criteria provided, single submitter. Criteria: Ambry Variant Classification Scheme 2023. Collection method: clinical testing. Allele origin: germline.
Comment: The p.Q3462* pathogenic mutation (also known as c.10384C>T), located in coding exon 61 of the DNAH5 gene, results from a C to T substitution at nucleotide position 10384. This changes the amino acid from a glutamine to a stop codon within coding exon 61. This variant has been identified in the homozygous state and/or in conjunction with other DNAH5 variant(s) in individuals with features consistent with primary ciliary dyskinesia; in at least one instance, the variants were identified in trans (Djakow J et al. Pediatr Pulmonol, 2012 Sep;47:864-75; Zariwala MA et al. Am J Hum Genet, 2013 Aug;93:336-45; Raidt J et al. Eur Respir J, 2014 Dec;44:1579-88; Paff T et al. Hum Mutat, 2018 May;39:653-665; Fassad MR et al. J Med Genet, 2020 May;57:322-330). This alteration is expected to result in loss of function by premature protein truncation or nonsense-mediated mRNA decay. As such, this alteration is interpreted as a disease-causing mutation.

Fulgent Genetics
Classification: Pathogenic for Primary ciliary dyskinesia 3. Last evaluated: 2024-05-28. Review status: criteria provided, single submitter. Criteria: ACMG Guidelines, 2015. Collection method: clinical testing. Allele origin: germline.

Blueprint Genetics
Classification: Pathogenic for DNAH5-related disorders. Last evaluated: 2024-05-02. Review status: criteria provided, single submitter. Criteria: ACMG Guidelines, 2015. Collection method: clinical testing. Allele origin: germline. Affected: yes. Observed: 5 variant alleles.

Molecular Genetics, Royal Melbourne Hospital
Classification: Pathogenic for Primary ciliary dyskinesia. Last evaluated: 2024-02-05. Review status: criteria provided, single submitter. Criteria: ACMG Guidelines, 2015. Collection method: clinical testing. Allele origin: germline. Inheritance: Autosomal recessive inheritance. Affected: yes.
Comment: This sequence change in DNAH5 is a nonsense variant predicted to cause a premature stop codon, p.(Gln3462*), in biologically relevant exon 61/79 leading to nonsense-mediated decay in a gene in which loss of function is an established disease mechanism. The highest population minor allele frequency in the population database gnomAD v4.0 is 0.008% (90/1,180,028 alleles) in the European (non-Finnish) population, which is consistent with recessive disease. This variant has been detected in the homozygous and compound heterozygous state in multiple individuals with primary ciliary dyskinesia, confirmed in trans in at least one of these individuals (PMID: 22416021, 25186273, 23891469, 29363216, 37860582). Based on the classification scheme RMH Modified ACMG/AMP Guidelines v1.6.1, this variant is classified as PATHOGENIC. Following criteria are met: PVS1, PM3_VeryStrong, PM2_Supporting.

Cambridge Genomics Laboratory, East Genomic Laboratory Hub, NHS Genomic Medicine Service
Classification: Pathogenic for Primary ciliary dyskinesia. Last evaluated: 2020-01-21. Review status: criteria provided, single submitter. Criteria: ACGS Best Practice Guidelines for Variant Classification in Rare Disease 2020. Collection method: clinical testing. Allele origin: germline. Affected: yes. Observed: 1 variant allele.

Genome Diagnostics Laboratory, Amsterdam University Medical Center
Classification: Pathogenic. Review status: no assertion criteria provided. Collection method: clinical testing. Allele origin: germline. Affected: yes. Study: VKGL Data-share Consensus. Not counted in ClinVar's aggregate classification.

Laboratory of Diagnostic Genome Analysis, Leiden University Medical Center (LUMC)
Classification: Pathogenic. Review status: no assertion criteria provided. Collection method: clinical testing. Allele origin: germline. Affected: yes. Study: VKGL Data-share Consensus. Not counted in ClinVar's aggregate classification.

Literature cited by the submitters: PubMed 11788826 (cited by Labcorp Genetics (formerly Invitae), Labcorp); PubMed 16627867 (cited by Labcorp Genetics (formerly Invitae), Labcorp); PubMed 22416021 (cited by 3 submitters); PubMed 23891469 (cited by 3 submitters); PubMed 24498942 (cited by Labcorp Genetics (formerly Invitae), Labcorp); PubMed 29363216 (cited by 3 submitters); PubMed 25186273 (cited by Ambry Genetics and Molecular Genetics, Royal Melbourne Hospital); PubMed 31879361 (cited by Ambry Genetics); PubMed 37860582 (cited by Molecular Genetics, Royal Melbourne Hospital).